The following is an entry in ClinVar:

NM_182914.3(SYNE2):c.20598GCT[1] (p.Leu6869_Leu6871del)

Gene: SYNE2 (spectrin repeat containing nuclear envelope protein 2; plus strand). Cytogenetic location: 14q23.2.
Variant type: Microsatellite.
Coding change: c.20598GCT[1] on transcript NM_182914.3 (MANE Select); one copy of the 3-base unit GCT starting at c.20598; the reference has four copies in a row; three copies, 9 bases deleted.
Protein change: p.Leu6869_Leu6871del.
Genome position (GRCh38, 1-based): chr14:64,225,403-64,225,411, GCTGCTGCT deleted; deleting any 9 consecutive bases within chr14:64,225,398-64,225,411 gives the same sequence; the position shown is the placement nearest the transcript's 3' end. VCF-style (leftmost placement, unchanged base first): chr14-64225397-CCTGCTGCTG-C. GRCh37 (hg19) VCF-style: chr14-64692115-CCTGCTGCTG-C.
Other names: c.20532GCT[1], p.Leu6847_Leu6849del (NM_015180.6); c.1164GCT[1], p.Leu391_Leu393del (NM_182910.2); c.1545GCT[1], p.Leu518_Leu520del (NM_182913.4).
Identifiers: ClinVar variation 3661133 (VCV003661133.2).

ClinVar aggregate classification (germline): Uncertain significance (1 of 4 stars; one submission).

Conditions:
Emery-Dreifuss muscular dystrophy 5, autosomal dominant (EDMD5). Also called: EMERY-DREIFUSS MUSCULAR DYSTROPHY 5. Identifiers: Orphanet 261, MedGen C2751805, MONDO:0013072, OMIM 612999.

Submission:

Labcorp Genetics (formerly Invitae), Labcorp
Classification: Uncertain significance for Emery-Dreifuss muscular dystrophy 5, autosomal dominant. Last evaluated: 2024-08-01. Review status: criteria provided, single submitter. Criteria: Invitae Variant Classification Sherloc (09022015). Collection method: clinical testing. Allele origin: germline.
Comment: This variant, c.20601_20609del, results in the deletion of 3 amino acid(s) of the SYNE2 protein (p.Leu6869_Leu6871del), but otherwise preserves the integrity of the reading frame. This variant is not present in population databases (gnomAD no frequency). This variant has not been reported in the literature in individuals affected with SYNE2-related conditions. Experimental studies and prediction algorithms are not available or were not evaluated, and the functional significance of this variant is currently unknown. In summary, the available evidence is currently insufficient to determine the role of this variant in disease. Therefore, it has been classified as a Variant of Uncertain Significance.